The following is an entry in ClinVar:

NM_033028.5(BBS4):c.322G>A (p.Ala108Thr)

Gene: BBS4 (Bardet-Biedl syndrome 4; plus strand). Cytogenetic location: 15q24.1.
Variant type: single nucleotide variant.
Coding change: c.322G>A on transcript NM_033028.5 (MANE Select); coding-DNA position 322, G replaced by A.
Protein change: p.Ala108Thr; replaces alanine 108 with threonine.
Molecular consequence: missense variant. On other transcripts: 5 prime UTR variant (1), non-coding transcript variant (2).
Genome position (GRCh38, 1-based): chr15:72,715,392, G>A. VCF-style: chr15-72715392-G-A. GRCh37 (hg19) VCF-style: chr15-73007733-G-A.
Other names: c.-200G>A (NM_001252678.2); c.322G>A, p.Ala108Thr (NM_001320665.2); short protein forms A108T.
Identifiers: ClinVar variation 807286 (VCV000807286.43), dbSNP rs1595928075, ClinGen allele CA393076887.
Genomic context (GRCh38, chr15:72,715,392, plus strand): 5'-GAACTCTTCCAGACATGTGCAGTTCTTAGTCCTCAGAGTGCTGATAACCTCAAGCAGGTG[G>A]CCAGATCTTTGTGAGTATTGGCAACCTGGAGGCCCTAGGGCACTCACAGAGAACAGTGTA-3'
Protein context (NP_149017.2, residues 98-118): PQSADNLKQV[Ala108Thr]RSLFLLGKHK

ClinVar aggregate classification (germline): Conflicting classifications of pathogenicity. Review status: criteria provided, conflicting classifications (1 of 4 stars). 2 submissions from 2 submitters: Likely pathogenic (1); Uncertain significance (1). Last evaluated 2026-01-07.

Conditions:
Bardet-Biedl syndrome (BBS). Identifiers: Orphanet 110, MedGen C0752166, MONDO:0015229.

gnomAD v4.1: 1 of 1,613,290 alleles (0.000062%); highest among the groups gnomAD compares: Non-Finnish European, 0.000085%; no homozygotes.

Submissions (2):

Labcorp Genetics (formerly Invitae), Labcorp
Classification: Uncertain significance for Bardet-Biedl syndrome. Last evaluated: 2026-01-07. Review status: criteria provided, single submitter. Criteria: Invitae Variant Classification Sherloc (09022015). Collection method: clinical testing. Allele origin: germline.
Comment: This sequence change replaces alanine, which is neutral and non-polar, with threonine, which is neutral and polar, at codon 108 of the BBS4 protein (p.Ala108Thr). This variant is not present in population databases (gnomAD no frequency). This missense change has been observed in individuals with clinical features of BBS4-related conditions (PMID: 23591405, 35886001; internal data). ClinVar contains an entry for this variant (Variation ID: 807286). Invitae Evidence Modeling of protein sequence and biophysical properties (such as structural, functional, and spatial information, amino acid conservation, physicochemical variation, residue mobility, and thermodynamic stability) indicates that this missense variant is expected to disrupt BBS4 protein function with a positive predictive value of 80%. Algorithms developed to predict the effect of sequence changes on RNA splicing suggest that this variant may create or strengthen a splice site. In summary, the available evidence is currently insufficient to determine the role of this variant in disease. Therefore, it has been classified as a Variant of Uncertain Significance.

CeGaT Center for Human Genetics Tuebingen
Classification: Likely pathogenic. Last evaluated: 2019-04-01. Review status: criteria provided, single submitter. Criteria: CeGaT Center For Human Genetics Tuebingen Variant Classification Criteria Version 2. Collection method: clinical testing. Allele origin: germline. Affected: yes. Observed: 2 variant alleles.

Literature cited by the submitters: PubMed 23591405 (cited by Labcorp Genetics (formerly Invitae), Labcorp); PubMed 35886001 (cited by Labcorp Genetics (formerly Invitae), Labcorp).